The following is an entry in ClinVar:

NM_001379029.1(CERT1):c.287A>G (p.Tyr96Cys)

Gene: CERT1 (ceramide transporter 1; minus strand). Cytogenetic location: 5q13.3.
Variant type: single nucleotide variant.
Coding change: c.287A>G on transcript NM_001379029.1 (MANE Select); coding-DNA position 287, A replaced by G.
Protein change: p.Tyr96Cys; replaces tyrosine 96 with cysteine.
Molecular consequence: missense variant.
Genome position (GRCh38, 1-based): chr5:75,459,126, T>C on the plus strand (A>G on the coding strand, the complement: CERT1 is on the minus strand). VCF-style: chr5-75459126-T-C. GRCh37 (hg19) VCF-style: chr5-74754951-T-C.
Other names: c.671A>G, p.Tyr224Cys (NM_001130105.1); c.287A>G, p.Tyr96Cys (NM_001379002.1, NM_001379003.1, NM_001379004.1 and 2 more transcripts); short protein forms Y224C, Y96C.
Identifiers: ClinVar variation 2662268 (VCV002662268.2), dbSNP rs1561278205, ClinGen allele CA360142658.

ClinVar aggregate classification (germline): Uncertain significance (1 of 4 stars; one submission).

Allele frequency attached by ClinVar (database versions not stated): gnomAD exomes below 0.00001.
gnomAD v4.1: 6 of 1,613,276 alleles (0.00037%); highest among the groups gnomAD compares: South Asian, 0.0011%; no homozygotes.

Submission:

GeneDx
Classification: Uncertain significance. Last evaluated: 2026-01-31. Review status: criteria provided, single submitter. Criteria: GeneDx Variant Classification Process June 2021. Collection method: clinical testing. Allele origin: germline.
Comment: In silico analysis supports that this missense variant has a deleterious effect on protein structure/function; Has not been previously published as pathogenic or benign to our knowledge